The following is an entry in ClinVar:

ClinVar aggregate classification (germline): Uncertain significance. Review status: criteria provided, multiple submitters, no conflicts (2 of 4 stars). 2 submissions from 2 submitters: Uncertain significance (2). Last evaluated 2025-06-20.

Conditions:
Ataxia-telangiectasia-like disorder (ATLD). Identifiers: MedGen C1858391, MONDO:0011457.
Hereditary cancer-predisposing syndrome. Also called: Neoplastic Syndromes, Hereditary; Tumor predisposition; Hereditary Cancer Syndrome; Hereditary neoplastic syndrome. Identifiers: Orphanet 140162, MedGen C0027672, MeSH D009386, MONDO:0015356.

Allele frequency attached by ClinVar (database versions not stated): TOPMed below 0.00001; gnomAD 0.00001.
gnomAD v4.1: 15 of 1,613,768 alleles (0.00093%); highest among the groups gnomAD compares: Non-Finnish European, 0.0012%; no homozygotes.

Submissions (2):

Ambry Genetics
Classification: Uncertain significance for Hereditary cancer-predisposing syndrome. Last evaluated: 2025-06-20. Review status: criteria provided, single submitter. Criteria: Ambry Variant Classification Scheme 2023. Collection method: clinical testing. Allele origin: germline.
Comment: The p.L427F variant (also known as c.1281A>T), located in coding exon 11 of the MRE11A gene, results from an A to T substitution at nucleotide position 1281. The leucine at codon 427 is replaced by phenylalanine, an amino acid with highly similar properties. This amino acid position is well conserved in available vertebrate species. In addition, this alteration is predicted to be tolerated by in silico analysis. Since supporting evidence is limited at this time, the clinical significance of this alteration remains unclear.

Labcorp Genetics (formerly Invitae), Labcorp
Classification: Uncertain significance for Ataxia-telangiectasia-like disorder. Last evaluated: 2018-04-03. Review status: criteria provided, single submitter. Criteria: Invitae Variant Classification Sherloc (09022015). Collection method: clinical testing. Allele origin: germline.
Comment: This variant is not present in population databases (ExAC no frequency). In summary, the available evidence is currently insufficient to determine the role of this variant in disease. Therefore, it has been classified as a Variant of Uncertain Significance. Algorithms developed to predict the effect of missense changes on protein structure and function do not agree on the potential impact of this missense change (SIFT: "Tolerated"; PolyPhen-2: "Possibly Damaging"; Align-GVGD: "Class C0"). This variant has not been reported in the literature in individuals with MRE11-related disease. ClinVar contains an entry for this variant (Variation ID: 481745). This sequence change replaces leucine with phenylalanine at codon 427 of the MRE11 protein (p.Leu427Phe). The leucine residue is highly conserved and there is a small physicochemical difference between leucine and phenylalanine.

NM_005591.4(MRE11):c.1281A>T (p.Leu427Phe)

Gene: MRE11 (MRE11 double strand break repair nuclease; minus strand). Cytogenetic location: 11q21.
Variant type: single nucleotide variant.
Coding change: c.1281A>T on transcript NM_005591.4 (MANE Select); coding-DNA position 1281, A replaced by T.
Protein change: p.Leu427Phe; replaces leucine 427 with phenylalanine.
Molecular consequence: missense variant.
Genome position (GRCh38, 1-based): chr11:94,460,981, T>A on the plus strand (A>T on the coding strand, the complement: MRE11 is on the minus strand). VCF-style: chr11-94460981-T-A. GRCh37 (hg19) VCF-style: chr11-94194147-T-A.
Other names: c.1281A>T, p.Leu427Phe (NM_001330347.2, NM_005590.4); short protein forms L427F.
Identifiers: ClinVar variation 481745 (VCV000481745.15), dbSNP rs1555009888, ClinGen allele CA382372366.
Genomic context (GRCh38, chr11:94,460,981, plus strand): 5'-ACTGTAAGAAATTACCTTCTCTGCGGTTTGAAAGTACTGTTTTACAAGATCTTCTACCCT[T>A]AAAGTTGTTCCTTCTGAAGGCTTTGTGATAAGTTTCCCAAAGTTGATCTCTTCTCCTAGA-3'
Protein context (NP_005582.1, residues 417-437): LITKPSEGTT[Leu427Phe]RVEDLVKQYF